The following is an entry in ClinVar:

NM_022124.6(CDH23):c.2086A>G (p.Thr696Ala)

Gene: CDH23 (cadherin related 23; plus strand). Cytogenetic location: 10q22.1.
Variant type: single nucleotide variant.
Coding change: c.2086A>G on transcript NM_022124.6 (MANE Select); coding-DNA position 2086, A replaced by G.
Protein change: p.Thr696Ala; replaces threonine 696 with alanine.
Molecular consequence: missense variant.
Genome position (GRCh38, 1-based): chr10:71,690,494, A>G. VCF-style: chr10-71690494-A-G. GRCh37 (hg19) VCF-style: chr10-73450251-A-G.
Other names: c.2086A>G, p.Thr696Ala (NM_001171930.2, NM_001171931.2); c.2086A>G (NM_022124.5); short protein forms T696A.
Identifiers: ClinVar variation 1059513 (VCV001059513.8), dbSNP rs372874226, ClinGen allele CA5544088.
Genomic context (GRCh38, chr10:71,690,494, plus strand): 5'-AGCACCCCCTGCCCCCACCTTTTTCCCCCTGAAGGAGCCACGGTGCTGTTCCTGAATGCC[A>G]CAGACCTGGACCGCTCCCGGGAGTACGGCCAGGAGTCCATCATCTACTCCTTGGAAGGCT-3'
Protein context (NP_071407.4, residues 686-706): AGATVLFLNA[Thr696Ala]DLDRSREYGQ

ClinVar aggregate classification (germline): Uncertain significance. Review status: criteria provided, multiple submitters, no conflicts (2 of 4 stars). 3 submissions from 3 submitters: Uncertain significance (2). 1 of the submissions does not count toward it. Last evaluated 2024-03-25.

Conditions:
Inborn genetic diseases. Identifiers: MedGen C0950123, MeSH D030342.
Usher syndrome type 1 (USH1). Also called: RETINITIS PIGMENTOSA AND CONGENITAL DEAFNESS. Identifiers: Orphanet 231169, Orphanet 886, MedGen C1568247, MONDO:0010168, OMIM 276900.

Allele frequency attached by ClinVar (database versions not stated): ESP Exome Variant Server 0.00008; gnomAD exomes 0.00001; gnomAD 0.00003; ExAC 0.00001; TOPMed 0.00002.
gnomAD v4.1: 11 of 1,609,214 alleles (0.00068%); highest among the groups gnomAD compares: African/African-American, 0.013%; no homozygotes.

Submissions (3):

Ambry Genetics
Classification: Uncertain significance for Inborn genetic diseases. Last evaluated: 2024-03-25. Review status: criteria provided, single submitter. Criteria: Ambry Variant Classification Scheme 2023. Collection method: clinical testing. Allele origin: germline.

Labcorp Genetics (formerly Invitae), Labcorp
Classification: Uncertain significance. Last evaluated: 2022-03-13. Review status: criteria provided, single submitter. Criteria: Invitae Variant Classification Sherloc (09022015). Collection method: clinical testing. Allele origin: germline.
Comment: This sequence change replaces threonine, which is neutral and polar, with alanine, which is neutral and non-polar, at codon 696 of the CDH23 protein (p.Thr696Ala). The frequency data for this variant in the population databases is considered unreliable, as metrics indicate poor data quality at this position in the gnomAD database. This variant has not been reported in the literature in individuals affected with CDH23-related conditions. ClinVar contains an entry for this variant (Variation ID: 1059513). Algorithms developed to predict the effect of missense changes on protein structure and function are either unavailable or do not agree on the potential impact of this missense change (SIFT: "Deleterious"; PolyPhen-2: "Not Available"; Align-GVGD: "Class C55"). In summary, the available evidence is currently insufficient to determine the role of this variant in disease. Therefore, it has been classified as a Variant of Uncertain Significance.

Natera, Inc.
Classification: Uncertain significance for Usher syndrome type 1. Last evaluated: 2021-09-29. Review status: no assertion criteria provided. Collection method: clinical testing. Allele origin: germline. Not counted in ClinVar's aggregate classification.